The following is an entry in ClinVar:

NM_020971.3(SPTBN4):c.1701G>A (p.Leu567=)

Gene: SPTBN4 (spectrin beta, non-erythrocytic 4; plus strand). Cytogenetic location: 19q13.2.
Variant type: single nucleotide variant.
Coding change: c.1701G>A on transcript NM_020971.3 (MANE Select); coding-DNA position 1701, G replaced by A.
Protein change: p.Leu567=; no amino-acid change (leucine 567 retained).
Molecular consequence: synonymous variant.
Genome position (GRCh38, 1-based): chr19:40,506,271, G>A. VCF-style: chr19-40506271-G-A. GRCh37 (hg19) VCF-style: chr19-41012178-G-A.
Identifiers: ClinVar variation 2649886 (VCV002649886.22), dbSNP rs763173248, ClinGen allele CA9445761.

ClinVar aggregate classification (germline): Likely benign (1 of 4 stars; one submission).

Allele frequency attached by ClinVar (database versions not stated): gnomAD exomes below 0.00001; ExAC 0.00001.

Submission:

CeGaT Center for Human Genetics Tuebingen
Classification: Likely benign. Last evaluated: 2023-05-01. Review status: criteria provided, single submitter. Criteria: CeGaT Center For Human Genetics Tuebingen Variant Classification Criteria Version 2. Collection method: clinical testing. Allele origin: germline. Affected: yes. Observed: 1 variant allele.
Comment: SPTBN4: BP4, BP7